The following is an entry in ClinVar:

ClinVar aggregate classification (germline): Uncertain significance (1 of 4 stars; one submission).

gnomAD v4.1: 11 of 1,581,988 alleles (0.0007%); highest among the groups gnomAD compares: Non-Finnish European, 0.00086%; no homozygotes.

Submission:

Ambry Genetics
Classification: Uncertain significance. Last evaluated: 2025-05-18. Review status: criteria provided, single submitter. Criteria: Ambry Variant Classification Scheme 2023. Collection method: clinical testing. Allele origin: germline.
Comment: The p.K553E variant (also known as c.1657A>G), located in coding exon 7 of the WNK2 gene, results from an A to G substitution at nucleotide position 1657. The lysine at codon 553 is replaced by glutamic acid, an amino acid with similar properties. This amino acid position is conserved. In addition, this alteration is predicted to be tolerated by in silico analysis. Based on the available evidence, the clinical significance of this variant remains unclear.

NM_006648.4(WNK2):c.1657A>G (p.Lys553Glu)

Gene: WNK2 (WNK lysine deficient protein kinase 2; plus strand). Cytogenetic location: 9q22.31.
Variant type: single nucleotide variant.
Coding change: c.1657A>G on transcript NM_006648.4 (MANE Select); coding-DNA position 1657, A replaced by G.
Protein change: p.Lys553Glu; replaces lysine 553 with glutamic acid.
Molecular consequence: missense variant.
Genome position (GRCh38, 1-based): chr9:93,247,657, A>G. VCF-style: chr9-93247657-A-G. GRCh37 (hg19) VCF-style: chr9-96009939-A-G.
Other names: c.1657A>G, p.Lys553Glu (NM_001282394.3); short protein forms K553E.
Identifiers: ClinVar variation 3982067 (VCV003982067.1).
Genomic context (GRCh38, chr9:93,247,657, plus strand): 5'-CGTGACCGCGTGGCCTTGATCCAGTGGCGGCGGGAGAGGATCTGGCCCGCGCTGCAGCCC[A>G]AGGAGCAGCAGGATGTGGGCAGCCCGGACAAGGCCAGGGGTCCGCCGGTGCCCCTGCAGG-3'
Protein context (NP_006639.3, residues 543-563): RERIWPALQP[Lys553Glu]EQQDVGSPDK